The following is an entry in ClinVar:

ClinVar aggregate classification (germline): Uncertain significance. Review status: criteria provided, multiple submitters, no conflicts (2 of 4 stars). 2 submissions from 2 submitters: Uncertain significance (2). Last evaluated 2022-12-15.

Conditions:
Hypertrophic cardiomyopathy. Also called: HYPERTROPHIC MYOCARDIOPATHY. Identifiers: Orphanet 217569, MedGen C0007194, MeSH D002312, MONDO:0005045, HP:0001639.

Allele frequency attached by ClinVar (database versions not stated): gnomAD exomes 0.00001.
gnomAD v4.1: 9 of 1,613,036 alleles (0.00056%); highest among the groups gnomAD compares: Non-Finnish European, 0.00068%; no homozygotes.

Submissions (2):

Labcorp Genetics (formerly Invitae), Labcorp
Classification: Uncertain significance for Hypertrophic cardiomyopathy. Last evaluated: 2022-12-15. Review status: criteria provided, single submitter. Criteria: Invitae Variant Classification Sherloc (09022015). Collection method: clinical testing. Allele origin: germline.
Comment: In summary, the available evidence is currently insufficient to determine the role of this variant in disease. Therefore, it has been classified as a Variant of Uncertain Significance. Advanced modeling of protein sequence and biophysical properties (such as structural, functional, and spatial information, amino acid conservation, physicochemical variation, residue mobility, and thermodynamic stability) performed at Invitae indicates that this missense variant is not expected to disrupt MYOM1 protein function. ClinVar contains an entry for this variant (Variation ID: 1727296). This variant has not been reported in the literature in individuals affected with MYOM1-related conditions. This variant is present in population databases (no rsID available, gnomAD 0.0009%). This sequence change replaces valine, which is neutral and non-polar, with glycine, which is neutral and non-polar, at codon 1025 of the MYOM1 protein (p.Val1025Gly).

Ambry Genetics
Classification: Uncertain significance. Last evaluated: 2022-04-19. Review status: criteria provided, single submitter. Criteria: Ambry Variant Classification Scheme 2023. Collection method: clinical testing. Allele origin: germline.
Comment: The p.V1025G variant (also known as c.3074T>G), located in coding exon 19 of the MYOM1 gene, results from a T to G substitution at nucleotide position 3074. The valine at codon 1025 is replaced by glycine, an amino acid with dissimilar properties. This amino acid position is conserved. In addition, this alteration is predicted to be tolerated by in silico analysis. Since supporting evidence is limited at this time, the clinical significance of this alteration remains unclear.

NM_003803.4(MYOM1):c.3074T>G (p.Val1025Gly)

Gene: MYOM1 (myomesin 1; minus strand). Cytogenetic location: 18p11.31.
Variant type: single nucleotide variant.
Coding change: c.3074T>G on transcript NM_003803.4 (MANE Select); coding-DNA position 3074, T replaced by G.
Protein change: p.Val1025Gly; replaces valine 1025 with glycine.
Molecular consequence: missense variant.
Genome position (GRCh38, 1-based): chr18:3,119,913, A>C on the plus strand (T>G on the coding strand, the complement: MYOM1 is on the minus strand). VCF-style: chr18-3119913-A-C. GRCh37 (hg19) VCF-style: chr18-3119911-A-C.
Other names: c.2786T>G, p.Val929Gly (NM_019856.2); short protein forms V1025G, V929G.
Identifiers: ClinVar variation 1727296 (VCV001727296.7), dbSNP rs1033108745, ClinGen allele CA295506630.